The following is an entry in ClinVar:

NC_000006.11:g.(?_123836792)_(123837316_?)del

Gene: TRDN (triadin; minus strand). Cytogenetic location: 6q22.31.
Variant type: Deletion.
Identifiers: ClinVar variation 3245994 (VCV003245994.1).

ClinVar aggregate classification (germline): Likely pathogenic (1 of 4 stars; one submission).

Conditions:
Catecholaminergic polymorphic ventricular tachycardia 1. Also called: RYR2-Related Catecholaminergic Polymorphic Ventricular Tachycardia; VENTRICULAR TACHYCARDIA, CATECHOLAMINERGIC POLYMORPHIC, 1, WITH OR WITHOUT ATRIAL DYSFUNCTION AND/OR DILATED CARDIOMYOPATHY; VENTRICULAR TACHYCARDIA, STRESS-INDUCED POLYMORPHIC 1. Identifiers: Orphanet 3286, MedGen C1631597, MONDO:0011484, OMIM 604772.

Submission:

Labcorp Genetics (formerly Invitae), Labcorp
Classification: Likely pathogenic for Catecholaminergic polymorphic ventricular tachycardia 1. Last evaluated: 2018-04-25. Review status: criteria provided, single submitter. Criteria: Invitae Variant Classification Sherloc (09022015). Collection method: clinical testing. Allele origin: unknown.
Comment: This variant is a gross deletion of the genomic region encompassing part of exon 6 (c.520_550+494del) of the TRDN gene. It is expected to disrupt RNA splicing and likely results in an absent or disrupted protein product This variant has not been reported in the literature in individuals with TRDN-related disease. Loss-of-function variants in TRDN are known to be pathogenic (PMID: 22422768, 26200674). In summary, the currently available evidence indicates that the variant is pathogenic, but additional data are needed to prove that conclusively. Therefore, this variant has been classified as Likely Pathogenic.

Literature cited by the submitters: PubMed 22422768; PubMed 26200674.